The following is an entry in ClinVar:

ClinVar aggregate classification (germline): Uncertain significance (1 of 4 stars; one submission).

Conditions:
Primary ciliary dyskinesia. Also called: Ciliary dyskinesia. Identifiers: Orphanet 244, MedGen C0008780, MONDO:0016575, HP:0012265.

Submission:

Ambry Genetics
Classification: Uncertain significance for Primary ciliary dyskinesia. Last evaluated: 2017-02-09. Review status: criteria provided, single submitter. Criteria: Ambry Variant Classification Scheme 2023. Collection method: clinical testing. Allele origin: germline.
Comment: The p.W1625C variant (also known as c.4875G>C), located in coding exon 30 of the DNAH5 gene, results from a G to C substitution at nucleotide position 4875. The tryptophan at codon 1625 is replaced by cysteine, an amino acid with highly dissimilar properties. This amino acid position is highly conserved in available vertebrate species. In addition, this alteration is predicted to be deleterious by in silico analysis. Since supporting evidence is limited at this time, the clinical significance of this alteration remains unclear.

NM_001369.3(DNAH5):c.4875G>C (p.Trp1625Cys)

Genes: DNAH5 (dynein axonemal heavy chain 5; minus strand), LOC126807318 (MED14-independent group 3 enhancer GRCh37_chr5:13858976-13860175; plus strand). Cytogenetic location: 5p15.2.
Variant type: single nucleotide variant.
Coding change: c.4875G>C on transcript NM_001369.3 (MANE Select); coding-DNA position 4875, G replaced by C.
Protein change: p.Trp1625Cys; replaces tryptophan 1625 with cysteine.
Molecular consequence: missense variant.
Genome position (GRCh38, 1-based): chr5:13,859,527, C>G on the plus strand (G>C on the coding strand, the complement: DNAH5 is on the minus strand). VCF-style: chr5-13859527-C-G. GRCh37 (hg19) VCF-style: chr5-13859636-C-G.
Other names: short protein forms W1625C.
Identifiers: ClinVar variation 1743745 (VCV001743745.2), dbSNP rs2546965486, ClinGen allele CA359219781.